The following is an entry in ClinVar:

ClinVar aggregate classification (germline): Conflicting classifications of pathogenicity. Review status: criteria provided, conflicting classifications (1 of 4 stars). 11 submissions from 11 submitters: Uncertain significance (9); Likely benign (1). 1 of the submissions does not count toward it. Last evaluated 2024-12-03.

Conditions:
Bronchiectasis with or without elevated sweat chloride 1 (BESC1). Also called: Cystic Fibrosis-Like Syndrome. Identifiers: Orphanet 60033, MedGen C2749757, MONDO:0008887, OMIM 211400.
Cystic fibrosis (CF). Also called: MUCOVISCIDOSIS. Identifiers: Orphanet 586, MedGen C0010674, MONDO:0009061, OMIM 219700. Disease mechanism: loss of function.
Congenital bilateral aplasia of vas deferens from CFTR mutation (CBAVD). Identifiers: Orphanet 48, MedGen C0403814, MONDO:0010178, OMIM 277180. Disease mechanism: loss of function.
Hereditary pancreatitis (PCTT). Also called: Hereditary chronic pancreatitis; PRSS1-Related Hereditary Pancreatitis. Identifiers: Orphanet 676, MedGen C0238339, MONDO:0008185, OMIM 167800.
CFTR-related disorder (CFTR-RD). Also called: CFTR-related disorders; CFTR-related condition. Identifiers: MedGen C5924204, MONDO:7770004.

Allele frequency attached by ClinVar (database versions not stated): gnomAD 0.00002; gnomAD exomes 0.00002; TOPMed 0.00002; ESP Exome Variant Server 0.00008.

Submissions (11):

Labcorp Genetics (formerly Invitae), Labcorp
Classification: Uncertain significance for Cystic fibrosis. Last evaluated: 2024-12-03. Review status: criteria provided, single submitter. Criteria: Invitae Variant Classification Sherloc (09022015). Collection method: clinical testing. Allele origin: germline.
Comment: This sequence change replaces valine, which is neutral and non-polar, with isoleucine, which is neutral and non-polar, at codon 43 of the CFTR protein (p.Val43Ile). This variant is present in population databases (rs370586917, gnomAD 0.008%). This variant has not been reported in the literature in individuals affected with CFTR-related conditions. ClinVar contains an entry for this variant (Variation ID: 811961). Invitae Evidence Modeling of protein sequence and biophysical properties (such as structural, functional, and spatial information, amino acid conservation, physicochemical variation, residue mobility, and thermodynamic stability) indicates that this missense variant is not expected to disrupt CFTR protein function with a negative predictive value of 80%. In summary, the available evidence is currently insufficient to determine the role of this variant in disease. Therefore, it has been classified as a Variant of Uncertain Significance.

Blueprint Genetics
Classification: Uncertain significance. Last evaluated: 2024-09-14. Review status: criteria provided, single submitter. Criteria: ACMG Guidelines, 2015. Collection method: clinical testing. Allele origin: germline.

Ambry Genetics
Classification: Likely benign for Cystic fibrosis. Last evaluated: 2024-07-13. Review status: criteria provided, single submitter. Criteria: Ambry Variant Classification Scheme 2023. Collection method: clinical testing. Allele origin: germline.

Quest Diagnostics Nichols Institute San Juan Capistrano
Classification: Uncertain significance. Last evaluated: 2023-01-25. Review status: criteria provided, single submitter. Criteria: Quest Diagnostics criteria. Collection method: clinical testing. Allele origin: unknown.
Comment: The variant has not been reported in the published literature. The frequency of this variant in the general population, 0.000062 (8/128700 chromosomes), is uninformative in assessment of its pathogenicity. Analysis of this variant using bioinformatics tools for the prediction of the effect of amino acid changes on protein structure and function yielded predictions that this variant is benign. Based on the available information, we are unable to determine the clinical significance of this variant.

Mayo Clinic Laboratories, Mayo Clinic
Classification: Uncertain significance. Last evaluated: 2022-07-19. Review status: criteria provided, single submitter. Criteria: ACMG Guidelines, 2015. Collection method: clinical testing. Allele origin: germline. Observed: 1 variant allele.
Comment: BP4, PM2

Fulgent Genetics
Classification: Uncertain significance for Hereditary pancreatitis; Bronchiectasis with or without elevated sweat chloride 1; Cystic fibrosis; Congenital bilateral aplasia of vas deferens from CFTR mutation. Last evaluated: 2021-12-03. Review status: criteria provided, single submitter. Criteria: ACMG Guidelines, 2015. Collection method: clinical testing. Allele origin: unknown.

Genome-Nilou Lab
Classification: Uncertain significance for Cystic fibrosis. Last evaluated: 2021-09-05. Review status: criteria provided, single submitter. Criteria: ACMG Guidelines, 2015. Collection method: clinical testing. Allele origin: germline. Affected: no.

Women's Health and Genetics/Laboratory Corporation of America, LabCorp
Classification: Uncertain significance. Last evaluated: 2020-12-07. Review status: criteria provided, single submitter. Criteria: LabCorp Variant Classification Summary - May 2015. Collection method: clinical testing. Allele origin: germline.
Comment: Variant summary: CFTR c.127G>A (p.Val43Ile) results in a conservative amino acid change in the encoded protein sequence. Five of five in-silico tools predict a benign effect of the variant on protein function. The variant allele was found at a frequency of 2.8e-05 in 250868 control chromosomes. The available data on variant occurrences in the general population are insufficient to allow any conclusion about variant significance. To our knowledge, no occurrence of c.127G>A in individuals affected with Cystic Fibrosis/Chronic Pancreatitis Risk/CFTR-related disorders and no experimental evidence demonstrating its impact on protein function have been reported. Three clinical diagnostic laboratories have submitted clinical-significance assessments for this variant to ClinVar after 2014 without evidence for independent evaluation. All laboratories classified the variant as uncertain significance. Based on the evidence outlined above, the variant was classified as uncertain significance.

ARUP Laboratories, Molecular Genetics and Genomics, ARUP Laboratories
Classification: Uncertain significance. Last evaluated: 2019-04-06. Review status: criteria provided, single submitter. Criteria: ARUP Molecular Germline Variant Investigation Process. Collection method: clinical testing. Allele origin: germline.
Comment: The CFTR c.127G>A; p.Val43Ile variant (rs370586917), to our knowledge, is not described in the medical literature or in gene-specific databases. It is observed in the general population at an overall frequency of 0.0032% (9/282264 alleles) in the Genome Aggregation Database. The valine at codon 43 is weakly conserved, and computational algorithms (PolyPhen-2, SIFT) predict that this variant is tolerated. However, due to the lack of clinical and functional data regarding this variant, its clinical significance cannot be determined with certainty.

Illumina Laboratory Services, Illumina
Classification: Uncertain significance for CFTR-Related Disorders. Last evaluated: 2018-01-12. Review status: criteria provided, single submitter. Criteria: ICSL Variant Classification Criteria 13 December 2019. Collection method: clinical testing. Allele origin: germline.

Natera, Inc.
Classification: Uncertain significance for Cystic Fibrosis. Last evaluated: 2018-05-23. Review status: no assertion criteria provided. Collection method: clinical testing. Allele origin: germline. Not counted in ClinVar's aggregate classification.

NM_000492.4(CFTR):c.127G>A (p.Val43Ile)

Gene: CFTR (CF transmembrane conductance regulator; plus strand). Cytogenetic location: 7q31.2.
Variant type: single nucleotide variant.
Coding change: c.127G>A on transcript NM_000492.4 (MANE Select); coding-DNA position 127, G replaced by A.
Protein change: p.Val43Ile; replaces valine 43 with isoleucine.
Molecular consequence: missense variant.
Genome position (GRCh38, 1-based): chr7:117,504,326, G>A. VCF-style: chr7-117504326-G-A. GRCh37 (hg19) VCF-style: chr7-117144380-G-A.
Other names: p.Val43Ile; short protein forms V43I.
Identifiers: ClinVar variation 811961 (VCV000811961.25), dbSNP rs370586917, ClinGen allele CA4450642.